The following is an entry in ClinVar:

NM_032043.3(BRIP1):c.1517C>G (p.Pro506Arg)

Gene: BRIP1 (BRCA1 interacting DNA helicase 1; minus strand). Cytogenetic location: 17q23.2.
Variant type: single nucleotide variant.
Coding change: c.1517C>G on transcript NM_032043.3 (MANE Select); coding-DNA position 1517, C replaced by G.
Protein change: p.Pro506Arg; replaces proline 506 with arginine.
Molecular consequence: missense variant.
Genome position (GRCh38, 1-based): chr17:61,784,381, G>C on the plus strand (C>G on the coding strand, the complement: BRIP1 is on the minus strand). VCF-style: chr17-61784381-G-C. GRCh37 (hg19) VCF-style: chr17-59861742-G-C.
Other names: short protein forms P506R.
Identifiers: ClinVar variation 3758817 (VCV003758817.2).
Genomic context (GRCh38, chr17:61,784,381, plus strand): 5'-ATTATTTGAGTTGATGCACTAATAACAGGTACTTCTCTTGCCTCCTCTTTACCATAAATT[G>C]GTGAGATTTTTTCCTCTTTTTGAAGAACAGCAGAAAAATGTCCCTATAAGAAATTACCAT-3'
Protein context (NP_114432.2, residues 496-516): AVLQKEEKIS[Pro506Arg]IYGKEEAREV

ClinVar aggregate classification (germline): Uncertain significance (1 of 4 stars; one submission).

Conditions:
Fanconi anemia complementation group J. Also called: BRIP1-Related Fanconi Anemia. Identifiers: Orphanet 84, MedGen C1836860, MONDO:0012187, OMIM 609054.
Familial cancer of breast. Also called: BREAST CANCER, FAMILIAL; Hereditary breast cancer; hereditary breast carcinoma. Identifiers: Orphanet 227535, MedGen C0346153, MONDO:0016419, OMIM 114480. Disease mechanism: loss of function.

Submission:

Labcorp Genetics (formerly Invitae), Labcorp
Classification: Uncertain significance for Familial cancer of breast; Fanconi anemia complementation group J. Last evaluated: 2024-09-14. Review status: criteria provided, single submitter. Criteria: Invitae Variant Classification Sherloc (09022015). Collection method: clinical testing. Allele origin: germline.
Comment: This sequence change replaces proline, which is neutral and non-polar, with arginine, which is basic and polar, at codon 506 of the BRIP1 protein (p.Pro506Arg). This variant is not present in population databases (gnomAD no frequency). This variant has not been reported in the literature in individuals affected with BRIP1-related conditions. An algorithm developed to predict the effect of missense changes on protein structure and function (PolyPhen-2) suggests that this variant is likely to be tolerated. In summary, the available evidence is currently insufficient to determine the role of this variant in disease. Therefore, it has been classified as a Variant of Uncertain Significance.